The following is an entry in ClinVar:

ClinVar aggregate classification (germline): Uncertain significance (1 of 4 stars; one submission).

Conditions:
Combined immunodeficiency due to LRBA deficiency. Also called: Common variable immunodeficiency 8, with autoimmunity. Identifiers: Orphanet 445018, MedGen C3553512, MONDO:0013863, OMIM 614700.

gnomAD v4.1: 3 of 1,605,654 alleles (0.00019%); highest among the groups gnomAD compares: Non-Finnish European, 0.00026%; no homozygotes.

Submission:

Labcorp Genetics (formerly Invitae), Labcorp
Classification: Uncertain significance for Combined immunodeficiency due to LRBA deficiency. Last evaluated: 2024-08-05. Review status: criteria provided, single submitter. Criteria: Invitae Variant Classification Sherloc (09022015). Collection method: clinical testing. Allele origin: germline.
Comment: This sequence change replaces proline, which is neutral and non-polar, with threonine, which is neutral and polar, at codon 9 of the LRBA protein (p.Pro9Thr). This variant is not present in population databases (gnomAD no frequency). This variant has not been reported in the literature in individuals affected with LRBA-related conditions. ClinVar contains an entry for this variant (Variation ID: 1392378). An algorithm developed to predict the effect of missense changes on protein structure and function (PolyPhen-2) suggests that this variant is likely to be tolerated. In summary, the available evidence is currently insufficient to determine the role of this variant in disease. Therefore, it has been classified as a Variant of Uncertain Significance.

NM_001364905.1(LRBA):c.25C>A (p.Pro9Thr)

Gene: LRBA (LPS responsive beige-like anchor protein; minus strand). Cytogenetic location: 4q31.3.
Variant type: single nucleotide variant.
Coding change: c.25C>A on transcript NM_001364905.1 (MANE Select); coding-DNA position 25, C replaced by A.
Protein change: p.Pro9Thr; replaces proline 9 with threonine.
Molecular consequence: missense variant.
Genome position (GRCh38, 1-based): chr4:151,014,618, G>T on the plus strand (C>A on the coding strand, the complement: LRBA is on the minus strand). VCF-style: chr4-151014618-G-T. GRCh37 (hg19) VCF-style: chr4-151935770-G-T.
Other names: c.25C>A, p.Pro9Thr (NM_001199282.3, NM_001367550.1, NM_006726.5); short protein forms P9T.
Identifiers: ClinVar variation 1392378 (VCV001392378.8), dbSNP rs1465852898, ClinGen allele CA358611219.